The following is an entry in ClinVar:

ClinVar aggregate classification (germline): Conflicting classifications of pathogenicity. Review status: criteria provided, conflicting classifications (1 of 4 stars). 5 submissions from 5 submitters: Uncertain significance (1); Benign (1); Likely benign (3). Last evaluated 2025-10-22.

Conditions:
Autosomal recessive nonsyndromic hearing loss 30. Identifiers: Orphanet 90636, MedGen C1846784, MONDO:0011774, OMIM 607101.

Allele frequency attached by ClinVar (database versions not stated): gnomAD exomes 0.00033 and 0.00074; gnomAD 0.00035 and 0.00037; ESP Exome Variant Server 0.00038; TOPMed 0.00044; ExAC 0.00070.
gnomAD v4.1: 562 of 1,613,174 alleles (0.035%); highest among the groups gnomAD compares: Admixed American, 0.05%; 4 homozygotes.

Submissions (5):

Labcorp Genetics (formerly Invitae), Labcorp
Classification: Benign. Last evaluated: 2025-10-22. Review status: criteria provided, single submitter. Criteria: Invitae Variant Classification Sherloc (09022015). Collection method: clinical testing. Allele origin: germline.

Blueprint Genetics
Classification: Likely benign. Last evaluated: 2024-04-12. Review status: criteria provided, single submitter. Criteria: ACMG Guidelines, 2015. Collection method: clinical testing. Allele origin: germline.

GeneDx
Classification: Likely benign. Last evaluated: 2022-10-28. Review status: criteria provided, single submitter. Criteria: GeneDx Variant Classification Process June 2021. Collection method: clinical testing. Allele origin: germline. Affected: yes.
Comment: See Variant Classification Assertion Criteria.

Illumina Laboratory Services, Illumina
Classification: Uncertain significance for Autosomal recessive nonsyndromic hearing loss 30. Last evaluated: 2018-01-13. Review status: criteria provided, single submitter. Criteria: ICSL Variant Classification Criteria 13 December 2019. Collection method: clinical testing. Allele origin: germline.

Laboratory for Molecular Medicine, Mass General Brigham Personalized Medicine
Classification: Likely benign. Last evaluated: 2013-06-05. Review status: criteria provided, single submitter. Criteria: LMM Criteria. Collection method: clinical testing. Allele origin: germline. Observed: 1 variant allele.
Comment: Thr1118Ala in exon 29 of MYO3A: This variant is not expected to have clinical si gnificance due to a lack of conservation across species, including mammals. Furt hermore, this variant has been identified in 0.06% (5/8600) of European American chromosomes by the NHLBI Exome Sequencing Project (/EVS/; dbSNP rs138955440).

NM_017433.5(MYO3A):c.3352A>G (p.Thr1118Ala)

Gene: MYO3A (myosin IIIA; plus strand). Cytogenetic location: 10p12.1.
Variant type: single nucleotide variant.
Coding change: c.3352A>G on transcript NM_017433.5 (MANE Select); coding-DNA position 3352, A replaced by G.
Protein change: p.Thr1118Ala; replaces threonine 1118 with alanine.
Molecular consequence: missense variant.
Genome position (GRCh38, 1-based): chr10:26,170,493, A>G. VCF-style: chr10-26170493-A-G. GRCh37 (hg19) VCF-style: chr10-26459422-A-G.
Other names: short protein forms T1118A.
Identifiers: ClinVar variation 178467 (VCV000178467.19), dbSNP rs138955440, ClinGen allele CA182388.